The following is an entry in ClinVar:

NM_201253.3(CRB1):c.2842T>C (p.Cys948Arg)

Gene: CRB1 (crumbs cell polarity complex component 1; plus strand). Cytogenetic location: 1q31.3.
Variant type: single nucleotide variant.
Coding change: c.2842T>C on transcript NM_201253.3 (MANE Select); coding-DNA position 2842, T replaced by C.
Protein change: p.Cys948Arg; replaces cysteine 948 with arginine.
Molecular consequence: missense variant. On other transcripts: non-coding transcript variant (2), intron variant (1).
Genome position (GRCh38, 1-based): chr1:197,429,614, T>C. VCF-style: chr1-197429614-T-C. GRCh37 (hg19) VCF-style: chr1-197398744-T-C.
Other names: c.2506T>C, p.Cys836Arg (NM_001193640.2); c.2770T>C, p.Cys924Arg (NM_001257965.2); c.2129-5986T>C (NM_001257966.2); short protein forms C948R, C924R, C836R.
Identifiers: ClinVar variation 427863 (VCV000427863.20), dbSNP rs62645747, ClinGen allele CA344041407.

ClinVar aggregate classification (germline): Pathogenic. Review status: criteria provided, multiple submitters, no conflicts (2 of 4 stars). 13 submissions from 11 submitters: Pathogenic (10). 3 of the submissions do not count toward it. Last evaluated 2025-09-08.

Conditions:
Pigmented paravenous retinochoroidal atrophy. Identifiers: Orphanet 251295, MedGen C1868310, MONDO:0008246, OMIM 172870.
Leber congenital amaurosis 8 (LCA8). Identifiers: Orphanet 65, MedGen C3151202, MONDO:0013453, OMIM 613835.
Retinitis pigmentosa 12 (RP12). Also called: RP WITH OR WITHOUT PPRPE; RP WITH OR WITHOUT PRESERVED PARAARTERIOLE RETINAL PIGMENT EPITHELIUM; RETINITIS PIGMENTOSA WITH OR WITHOUT PARAARTERIOLAR PRESERVATION OF RETINAL PIGMENT EPITHELIUM. Identifiers: Orphanet 791, MedGen C1838647, MONDO:0010818, OMIM 600105.
CRB1-related disorder. Also called: CRB1-related disorders; CRB1-related condition.
Leber congenital amaurosis (LCA). Also called: Leber's amaurosis. Identifiers: Orphanet 65, MedGen C0339527, MeSH D057130, MONDO:0018998.
Leber congenital amaurosis 1 (LCA1). Also called: Congenital absence of the rods and cones; Leber's congenital tapetoretinal degeneration; Leber's congenital tapetoretinal dysplasia; RETINAL BLINDNESS, CONGENITAL; AMAUROSIS CONGENITA OF LEBER I. Identifiers: Orphanet 65, MedGen C2931258, MONDO:0008764, OMIM 204000.
Retinal dystrophy. Also called: Inherited retinal dystrophy. Identifiers: Orphanet 71862, MedGen C0854723, MeSH D058499, MONDO:0019118, HP:0000556.

Allele frequency attached by ClinVar (database versions not stated): gnomAD exomes below 0.00001; TOPMed 0.00002.
gnomAD v4.1: 1 of 1,613,892 alleles (0.000062%); highest among the groups gnomAD compares: African/African-American, 0.0013%; no homozygotes.

Submissions (13):

Labcorp Genetics (formerly Invitae), Labcorp
Classification: Pathogenic for Leber congenital amaurosis 8; Retinitis pigmentosa 12. Last evaluated: 2025-09-08. Review status: criteria provided, single submitter. Criteria: Invitae Variant Classification Sherloc (09022015). Collection method: clinical testing. Allele origin: germline.
Comment: This sequence change replaces cysteine, which is neutral and slightly polar, with arginine, which is basic and polar, at codon 948 of the CRB1 protein (p.Cys948Arg). This variant is not present in population databases (gnomAD no frequency). This missense change has been observed in individuals with retinal dystrophies (PMID: 28005958, 28714225, 28819299). ClinVar contains an entry for this variant (Variation ID: 427863). An algorithm developed to predict the effect of missense changes on protein structure and function (PolyPhen-2) suggests that this variant is likely to be disruptive. This variant disrupts the p.Cys948 amino acid residue in CRB1. Other variant(s) that disrupt this residue have been determined to be pathogenic (PMID: 10508521, 18055816, 19401883, 20956273, 23379534, 24512366, 27113771). This suggests that this residue is clinically significant, and that variants that disrupt this residue are likely to be disease-causing. For these reasons, this variant has been classified as Pathogenic.

Natera, Inc.
Classification: Pathogenic for Leber congenital amaurosis. Last evaluated: 2024-07-23. Review status: criteria provided, single submitter. Criteria: Natera Variant Classification Schema (03/2026). Collection method: clinical testing. Allele origin: germline.
Comment: The c.2842T>C variant in CRB1 is a missense variant predicted to cause substitution of cysteine to arginine at amino acid 948. This variant is rare in the general population with a frequency below the threshold expected for the associated phenotype(s). This variant has been observed in one or more individuals affected with the associated recessive disease, as either homozygous or compound heterozygous with a second variant (PMID: 28714225, 28819299, 28005958, 32865313). Functional studies show that this variant may disrupt protein function (PMID: 28714225). Computational prediction algorithms indicate this variant is likely to affect gene or protein function. Given the available evidence, this variant is classified as Pathogenic.

Fulgent Genetics
Classification: Pathogenic for Pigmented paravenous retinochoroidal atrophy; Retinitis pigmentosa 12; Leber congenital amaurosis 8. Last evaluated: 2024-06-17. Review status: criteria provided, single submitter. Criteria: ACMG Guidelines, 2015. Collection method: clinical testing. Allele origin: germline.

Women's Health and Genetics/Laboratory Corporation of America, LabCorp
Classification: Pathogenic for Retinal dystrophy. Last evaluated: 2024-01-22. Review status: criteria provided, single submitter. Criteria: LabCorp Variant Classification Summary - May 2015. Collection method: clinical testing. Allele origin: germline.
Comment: Variant summary: CRB1 c.2842T>C (p.Cys948Arg) results in a non-conservative amino acid change in the encoded protein sequence. Five of five in-silico tools predict a damaging effect of the variant on protein function. Several computational tools predict a significant impact on normal splicing: One predict the variant abolishes a 5' splicing donor site. Two predict the variant weakens a 5' donor site. However, these predictions have yet to be confirmed by functional studies. The variant was absent in 251092 control chromosomes (gnomAD). c.2842T>C has been reported in the literature in multiple individuals affected with Retinal Dystrophy (Tiwari_2016, deCastro-Mir_2016, Motta_2017, Soens_2017, Sallum_2020). These data indicate that the variant is very likely to be associated with disease. To our knowledge, no experimental evidence demonstrating an impact on protein function has been reported. The following publications have been ascertained in the context of this evaluation (PMID: 28819299, 32865313, 28714225, 27353947, 28005958). ClinVar contains an entry for this variant (Variation ID: 427863). Based on the evidence outlined above, the variant was classified as pathogenic.

Genome-Nilou Lab
Classification: Pathogenic for Leber congenital amaurosis 8. Last evaluated: 2023-04-11. Review status: criteria provided, single submitter. Criteria: ACMG Guidelines, 2015. Collection method: clinical testing. Allele origin: germline. Affected: no.

Genome-Nilou Lab
Classification: Pathogenic for Pigmented paravenous retinochoroidal atrophy. Last evaluated: 2023-04-11. Review status: criteria provided, single submitter. Criteria: ACMG Guidelines, 2015. Collection method: clinical testing. Allele origin: germline. Affected: no.

Genome-Nilou Lab
Classification: Pathogenic for Retinitis pigmentosa 12. Last evaluated: 2023-04-11. Review status: criteria provided, single submitter. Criteria: ACMG Guidelines, 2015. Collection method: clinical testing. Allele origin: germline. Affected: no.

Blueprint Genetics
Classification: Pathogenic for CRB1-related disorders. Last evaluated: 2022-07-26. Review status: criteria provided, single submitter. Criteria: ACMG Guidelines, 2015. Collection method: clinical testing. Allele origin: germline. Affected: yes. Observed: 3 variant alleles.

Dasa
Classification: Pathogenic for Pigmented paravenous retinochoroidal atrophy. Last evaluated: 2022-02-14. Review status: criteria provided, single submitter. Criteria: ACMG Guidelines, 2015. Collection method: clinical testing. Allele origin: germline. Affected: yes. Observed: 1 variant allele.
Comment: The c.2842T>C;p.(Cys948Arg) missense variant has been observed in affected individual(s) and ClinVar contains an entry for this variant (Clinvar ID: 427863; PMID: 28819299; 28005958) - PS4. This variant is not present in population databases (rs62645747, gnomAD; ABraOM no frequency) - PM2. The p.(Cys948Arg) was detected in trans with a pathogenic variant (PMID: 28819299; 28005958) - PM3_strong. Multiple lines of computational evidence support a deleterious effect on the gene or gene product - PP3. In summary, the currently available evidence indicates that the variant is pathogenic.

Mendelics
Classification: Pathogenic for Leber congenital amaurosis 1. Last evaluated: 2019-05-28. Review status: criteria provided, single submitter. Criteria: Mendelics Assertion Criteria 2017. Collection method: clinical testing. Allele origin: unknown.

PreventionGenetics, part of Exact Sciences
Classification: Pathogenic for CRB1-related condition. Last evaluated: 2024-08-12. Review status: no assertion criteria provided. Collection method: clinical testing. Allele origin: germline. Not counted in ClinVar's aggregate classification.
Comment: The CRB1 c.2842T>C variant is predicted to result in the amino acid substitution p.Cys948Arg. This variant has been reported in the homozygous state and in the heterozygous state along with a second CRB1 variant in individuals with autosomal recessive retinitis pigmentosa or Leber congenital amaurosis (de Castro-Miró et al. 2016. PubMed ID: 28005958; Motta et al. 2017. PubMed ID: 28819299; Sallum et al. 2020. PubMed ID: 32865313). A different substitution of this amino acid (p.Cys948Tyr) has also been reported in affected individuals (Motta et al. 2017. PubMed ID: 28819299). This variant has not been reported in a large population database, indicating this variant is rare. This variant is interpreted as pathogenic.

Rui Chen Lab, Baylor College of Medicine
Classification: Pathogenic for Leber congenital amaurosis. Last evaluated: 2017-05-09. Review status: no assertion criteria provided. Collection method: research. Allele origin: germline. Affected: yes. Not counted in ClinVar's aggregate classification.
Comment: An in vitrominigene system was used to confirm that the variant disrupts splicing

Laboratory of Genetics in Ophthalmology, Institut Imagine
Classification: Pathogenic for Leber congenital amaurosis 8. Review status: no assertion criteria provided. Collection method: research. Allele origin: inherited. Affected: yes. Observed: 2 variant alleles. Not counted in ClinVar's aggregate classification.

Literature cited by the submitters: PubMed 28005958 (cited by 5 submitters); PubMed 28714225 (cited by 3 submitters); PubMed 28819299 (cited by 4 submitters); PubMed 10508521 (cited by Labcorp Genetics (formerly Invitae), Labcorp); PubMed 18055816 (cited by Labcorp Genetics (formerly Invitae), Labcorp); PubMed 19401883 (cited by Labcorp Genetics (formerly Invitae), Labcorp); PubMed 20956273 (cited by Labcorp Genetics (formerly Invitae), Labcorp); PubMed 23379534 (cited by Labcorp Genetics (formerly Invitae), Labcorp); PubMed 24512366 (cited by Labcorp Genetics (formerly Invitae), Labcorp); PubMed 27113771 (cited by Labcorp Genetics (formerly Invitae), Labcorp); PubMed 32865313 (cited by Natera, Inc. and Women's Health and Genetics/Laboratory Corporation of America, LabCorp); PubMed 27353947 (cited by Women's Health and Genetics/Laboratory Corporation of America, LabCorp).